The following is an entry in ClinVar:

ClinVar aggregate classification (germline): Uncertain significance. Review status: criteria provided, multiple submitters, no conflicts (2 of 4 stars). 3 submissions from 3 submitters: Uncertain significance (3). Last evaluated 2026-03-19.

Conditions:
SLC45A2-related disorder. Also called: SLC45A2-related condition.
Oculocutaneous albinism type 4 (OCA4). Also called: Albinism, oculocutaneous, type IV. Identifiers: Orphanet 79435, MedGen C1847836, MONDO:0011683, OMIM 606574.

Allele frequency attached by ClinVar (database versions not stated): gnomAD exomes 0.00003 and 0.00004; ExAC 0.00004; gnomAD 0.00005; TOPMed 0.00006.
gnomAD v4.1: 52 of 1,614,072 alleles (0.0032%); highest among the groups gnomAD compares: East Asian, 0.025%; no homozygotes.

Submissions (3):

PreventionGenetics, part of Exact Sciences
Classification: Uncertain significance for SLC45A2-related condition. Last evaluated: 2026-03-19. Review status: criteria provided, single submitter. Criteria: ACMG Guidelines, 2015. Collection method: clinical testing. Allele origin: germline.
Comment: The SLC45A2 c.1090G>A variant is predicted to result in the amino acid substitution p.Glu364Lys. This variant has been reported in the compound heterozygous state in two individuals with albinism (Supplementary Table S1, Wei et al. 2022. PubMed ID: 34838614). This variant is reported in 0.045% of alleles in individuals of East Asian descent in gnomAD. At this time, the clinical significance of this variant is uncertain due to the absence of conclusive functional and genetic evidence.

Labcorp Genetics (formerly Invitae), Labcorp
Classification: Uncertain significance. Last evaluated: 2025-05-19. Review status: criteria provided, single submitter. Criteria: Invitae Variant Classification Sherloc (09022015). Collection method: clinical testing. Allele origin: germline.
Comment: This sequence change replaces glutamic acid, which is acidic and polar, with lysine, which is basic and polar, at codon 364 of the SLC45A2 protein (p.Glu364Lys). This variant is present in population databases (rs201140684, gnomAD 0.05%). This variant has not been reported in the literature in individuals affected with SLC45A2-related conditions. ClinVar contains an entry for this variant (Variation ID: 353214). Invitae Evidence Modeling of protein sequence and biophysical properties (such as structural, functional, and spatial information, amino acid conservation, physicochemical variation, residue mobility, and thermodynamic stability) indicates that this missense variant is not expected to disrupt SLC45A2 protein function with a negative predictive value of 80%. In summary, the available evidence is currently insufficient to determine the role of this variant in disease. Therefore, it has been classified as a Variant of Uncertain Significance.

Illumina Laboratory Services, Illumina
Classification: Uncertain significance for Oculocutaneous albinism type 4. Last evaluated: 2018-01-13. Review status: criteria provided, single submitter. Criteria: ICSL Variant Classification Criteria 13 December 2019. Collection method: clinical testing. Allele origin: germline.

NM_016180.5(SLC45A2):c.1090G>A (p.Glu364Lys)

Gene: SLC45A2 (solute carrier family 45 member 2; minus strand). Cytogenetic location: 5p13.2.
Variant type: single nucleotide variant.
Coding change: c.1090G>A on transcript NM_016180.5 (MANE Select); coding-DNA position 1090, G replaced by A.
Protein change: p.Glu364Lys; replaces glutamic acid 364 with lysine.
Molecular consequence: missense variant. On other transcripts: 3 prime UTR variant (1).
Genome position (GRCh38, 1-based): chr5:33,951,620, C>T on the plus strand (G>A on the coding strand, the complement: SLC45A2 is on the minus strand). VCF-style: chr5-33951620-C-T. GRCh37 (hg19) VCF-style: chr5-33951725-C-T.
Other names: c.1090G>A, p.Glu364Lys (NM_001012509.4); c.*32G>A (NM_001297417.4); c.1090G>A (NM_016180.4); short protein forms E364K.
Identifiers: ClinVar variation 353214 (VCV000353214.8), dbSNP rs201140684, ClinGen allele CA3225586.
Genomic context (GRCh38, chr5:33,951,620, plus strand): 5'-AAAGTGAGGAAAACACGGAGTTGATGCACAAGCCCCAACATCCAACCTCGACTCCTCTTT[C>T]GTAGATGAGAAACTCTGTGGAGTTGTGTGCACTATAGGGATCCCCGCGGTACACAATCTG-3'
Protein context (NP_057264.4, residues 354-374): AHNSTEFLIY[Glu364Lys]RGVEVGCWGL